The following is an entry in ClinVar:

ClinVar aggregate classification (germline): Likely benign. Review status: criteria provided, multiple submitters, no conflicts (2 of 4 stars). 4 submissions from 4 submitters: Likely benign (4). Last evaluated 2026-01-14.

Conditions:
Progressive sclerosing poliodystrophy (MTDPS4A). Also called: Alpers-Huttenlocher Syndrome (AHS); NEURONAL DEGENERATION OF CHILDHOOD WITH LIVER DISEASE, PROGRESSIVE; ALPERS DIFFUSE DEGENERATION OF CEREBRAL GRAY MATTER WITH HEPATIC CIRRHOSIS; Alpers-Huttenlocher Syndrome; Mitochondrial DNA depletion syndrome 4A (Alpers type); Alpers Syndrome. Identifiers: Orphanet 726, MedGen C0205710, MONDO:0008758, OMIM 203700.

Allele frequency attached by ClinVar (database versions not stated): gnomAD 0.00005; TOPMed 0.00006; ESP Exome Variant Server 0.00008; 1000 Genomes Project 0.00020; 1000 Genomes Project 30x 0.00031.
gnomAD v4.1: 19 of 1,614,080 alleles (0.0012%); highest among the groups gnomAD compares: African/African-American, 0.023%; no homozygotes.

Submissions (4):

Labcorp Genetics (formerly Invitae), Labcorp
Classification: Likely benign for Progressive sclerosing poliodystrophy. Last evaluated: 2026-01-14. Review status: criteria provided, single submitter. Criteria: Invitae Variant Classification Sherloc (09022015). Collection method: clinical testing. Allele origin: germline.

CeGaT Center for Human Genetics Tuebingen
Classification: Likely benign. Last evaluated: 2021-08-01. Review status: criteria provided, single submitter. Criteria: CeGaT Center For Human Genetics Tuebingen Variant Classification Criteria Version 2. Collection method: clinical testing. Allele origin: germline. Affected: yes. Observed: 1 variant allele.

Wong Mito Lab, Molecular and Human Genetics, Baylor College of Medicine
Classification: Likely benign for Progressive sclerosing poliodystrophy. Last evaluated: 2018-10-01. Review status: criteria provided, single submitter. Criteria: ACMG Guidelines, 2015. Collection method: clinical testing. Allele origin: germline.
Comment: The NM_002693.2:c.2508C>T (NP_002684.1:p.Leu836=) [GRCH38: NC_000015.10:g.89321826G>A] variant in POLG gene is interpretated to be a Likely Benign based on ACMG guidelines (PMID: 25741868). This variant meets the following evidence codes reported in the ACMG-guideline. BP4:Computational evidence/predictors indicate no impact on the POLG structure, function, or protein-protein interaction. BP7:The variant is silent with non predicted splice impact. Based on the evidence criteria codes applied, the variant is suggested to be Likely Benign.

GeneDx
Classification: Likely benign. Last evaluated: 2018-09-11. Review status: criteria provided, single submitter. Criteria: GeneDx Variant Classification Process June 2021. Collection method: clinical testing. Allele origin: germline. Affected: yes.

NM_002693.3(POLG):c.2508C>T (p.Leu836=)

Gene: POLG (DNA polymerase gamma, catalytic subunit; minus strand). Cytogenetic location: 15q26.1.
Variant type: single nucleotide variant.
Coding change: c.2508C>T on transcript NM_002693.3 (MANE Select); coding-DNA position 2508, C replaced by T.
Protein change: p.Leu836=; no amino-acid change (leucine 836 retained).
Molecular consequence: synonymous variant.
Genome position (GRCh38, 1-based): chr15:89,321,826, G>A on the plus strand (C>T on the coding strand, the complement: POLG is on the minus strand). VCF-style: chr15-89321826-G-A. GRCh37 (hg19) VCF-style: chr15-89865057-G-A.
Other names: c.2508C>T, p.Leu836= (NM_001126131.2).
Identifiers: ClinVar variation 458706 (VCV000458706.47), dbSNP rs183811122, ClinGen allele CA7724436.